The following is an entry in ClinVar:

ClinVar aggregate classification (germline): Uncertain significance (1 of 4 stars; one submission).

gnomAD v4.1: 1 of 1,610,088 alleles (0.000062%); highest among the groups gnomAD compares: Non-Finnish European, 0.000085%; no homozygotes.

Submission:

GeneDx
Classification: Uncertain significance. Last evaluated: 2026-06-04. Review status: criteria provided, single submitter. Criteria: GeneDx Variant Classification Process June 2021. Collection method: clinical testing. Allele origin: germline.
Comment: Not observed at significant frequency in large population cohorts (gnomAD); In silico analysis supports that this missense variant has a deleterious effect on protein structure/function; Has not been previously published as pathogenic or benign to our knowledge

NM_005754.3(G3BP1):c.1376G>A (p.Gly459Glu)

Gene: G3BP1 (G3BP stress granule assembly factor 1; plus strand). Cytogenetic location: 5q33.1.
Variant type: single nucleotide variant.
Coding change: c.1376G>A on transcript NM_005754.3 (MANE Select); coding-DNA position 1376, G replaced by A.
Protein change: p.Gly459Glu; replaces glycine 459 with glutamic acid.
Molecular consequence: missense variant.
Genome position (GRCh38, 1-based): chr5:151,804,066, G>A. VCF-style: chr5-151804066-G-A. GRCh37 (hg19) VCF-style: chr5-151183627-G-A.
Other names: c.1376G>A, p.Gly459Glu (NM_198395.2); short protein forms G459E.
Identifiers: ClinVar variation 4755602 (VCV004755602.2).